The following is an entry in ClinVar:

ClinVar aggregate classification (germline): Benign/Likely benign. Review status: criteria provided, multiple submitters, no conflicts (2 of 4 stars). 2 submissions from 2 submitters: Benign (1); Likely benign (1). Last evaluated 2025-04-01.

Allele frequency attached by ClinVar (database versions not stated): 1000 Genomes Project 0.00379; TOPMed 0.00570; gnomAD exomes 0.00737 and 0.00640; 1000 Genomes Project 30x 0.00390; ExAC 0.00489; gnomAD 0.00681 and 0.00660.
gnomAD v4.1: 11,275 of 1,549,386 alleles (0.73%); highest among the groups gnomAD compares: Non-Finnish European, 0.8%; 68 homozygotes.

Submissions (2):

CeGaT Center for Human Genetics Tuebingen
Classification: Likely benign. Last evaluated: 2025-04-01. Review status: criteria provided, single submitter. Criteria: CeGaT Center For Human Genetics Tuebingen Variant Classification Criteria Version 2. Collection method: clinical testing. Allele origin: germline. Affected: yes. Observed: 3 variant alleles.
Comment: BMP8B: BS2

Labcorp Genetics (formerly Invitae), Labcorp
Classification: Benign. Last evaluated: 2018-01-15. Review status: criteria provided, single submitter. Criteria: Invitae Variant Classification Sherloc (09022015). Collection method: clinical testing. Allele origin: germline.

NM_001720.5(BMP8B):c.1059+579A>G

Genes: BMP8B (bone morphogenetic protein 8b; minus strand), PPIE (peptidylprolyl isomerase E; plus strand). Cytogenetic location: 1p34.2.
Variant type: single nucleotide variant.
Coding change: c.1059+579A>G on transcript NM_001720.5 (MANE Select); 579 bases into the intron after coding-DNA position 1059, A replaced by G.
Molecular consequence: intron variant.
Genome position (GRCh38, 1-based): chr1:39,762,513, T>C on the plus strand (A>G on the coding strand, the complement: BMP8B is on the minus strand). VCF-style: chr1-39762513-T-C. GRCh37 (hg19) VCF-style: chr1-40228185-T-C.
Other names: c.838-4T>C (NM_001195007.2); c.838-1176T>C (NM_203456.3); c.799-1176T>C (NM_001319293.2).
Identifiers: ClinVar variation 773107 (VCV000773107.27), dbSNP rs192079535, ClinGen allele CA787222.